The following is an entry in ClinVar:

NM_001103.4(ACTN2):c.674T>G (p.Ile225Ser)

Gene: ACTN2 (actinin alpha 2; plus strand). Cytogenetic location: 1q43.
Variant type: single nucleotide variant.
Coding change: c.674T>G on transcript NM_001103.4 (MANE Select); coding-DNA position 674, T replaced by G.
Protein change: p.Ile225Ser; replaces isoleucine 225 with serine.
Molecular consequence: missense variant. On other transcripts: 5 prime UTR variant (1).
Genome position (GRCh38, 1-based): chr1:236,731,291, T>G. VCF-style: chr1-236731291-T-G. GRCh37 (hg19) VCF-style: chr1-236894591-T-G.
Other names: c.674T>G, p.Ile225Ser (NM_001278343.2); c.-148T>G (NM_001278344.2); short protein forms I225S.
Identifiers: ClinVar variation 449181 (VCV000449181.15), dbSNP rs1553301462, ClinGen allele CA345375894.
Genomic context (GRCh38, chr1:236,731,291, plus strand): 5'-AGGATGACCCCATAGGAAATATTAACCTGGCCATGGAAATCGCTGAGAAGCACCTGGATA[T>G]TCCTAAAATGTTGGATGCTGAAGGTGAGATGAAAATTGTGTTTGCTGAGTTACAGGAAAT-3'
Protein context (NP_001094.1, residues 215-235): AMEIAEKHLD[Ile225Ser]PKMLDAEDIV

ClinVar aggregate classification (germline): Uncertain significance. Review status: criteria provided, multiple submitters, no conflicts (2 of 4 stars). 3 submissions from 3 submitters: Uncertain significance (3). Last evaluated 2025-11-24.

Conditions:
Cardiovascular phenotype. Identifiers: MedGen CN230736.
Dilated cardiomyopathy 1AA (CMD1AA). Also called: Cardiomyopathy, dilated, 1AA, with or without LVNC; CARDIOMYOPATHY, DILATED, 1AA, WITH OR WITHOUT LEFT VENTRICULAR NONCOMPACTION; CARDIOMYOPATHY, FAMILIAL HYPERTROPHIC, 23, WITH OR WITHOUT LEFT VENTRICULAR NONCOMPACTION. Identifiers: Orphanet 154, MedGen C2677338, MONDO:0012808, OMIM 612158.
Primary familial hypertrophic cardiomyopathy (HCM). Identifiers: Orphanet 99739, MedGen C0949658, MeSH D024741, MONDO:0024573. Inheritance: Various modes of inheritance.

Submissions (3):

GeneDx
Classification: Uncertain significance. Last evaluated: 2025-11-24. Review status: criteria provided, single submitter. Criteria: GeneDx Variant Classification Process June 2021. Collection method: clinical testing. Allele origin: germline. Affected: yes.
Comment: Has not been previously published as pathogenic or benign to our knowledge; Not observed at significant frequency in large population cohorts (gnomAD); In silico analysis supports that this missense variant has a deleterious effect on protein structure/function

Labcorp Genetics (formerly Invitae), Labcorp
Classification: Uncertain significance for Primary familial hypertrophic cardiomyopathy; Dilated cardiomyopathy 1AA. Last evaluated: 2025-11-21. Review status: criteria provided, single submitter. Criteria: Invitae Variant Classification Sherloc (09022015). Collection method: clinical testing. Allele origin: germline.
Comment: This sequence change replaces isoleucine, which is neutral and non-polar, with serine, which is neutral and polar, at codon 225 of the ACTN2 protein (p.Ile225Ser). This variant is not present in population databases (gnomAD no frequency). This variant has not been reported in the literature in individuals affected with ACTN2-related conditions. ClinVar contains an entry for this variant (Variation ID: 449181). Invitae Evidence Modeling of protein sequence and biophysical properties (such as structural, functional, and spatial information, amino acid conservation, physicochemical variation, residue mobility, and thermodynamic stability) indicates that this missense variant is expected to disrupt ACTN2 protein function with a positive predictive value of 80%. In summary, the available evidence is currently insufficient to determine the role of this variant in disease. Therefore, it has been classified as a Variant of Uncertain Significance.

Ambry Genetics
Classification: Uncertain significance for Cardiovascular phenotype. Last evaluated: 2022-10-09. Review status: criteria provided, single submitter. Criteria: Ambry Variant Classification Scheme 2023. Collection method: clinical testing. Allele origin: germline.
Comment: The p.I225S variant (also known as c.674T>G), located in coding exon 7 of the ACTN2 gene, results from a T to G substitution at nucleotide position 674. The isoleucine at codon 225 is replaced by serine, an amino acid with dissimilar properties. This amino acid position is conserved. In addition, this alteration is predicted to be deleterious by in silico analysis. Since supporting evidence is limited at this time, the clinical significance of this alteration remains unclear.